The following is an entry in ClinVar:

NM_000222.3(KIT):c.1834A>G (p.Ile612Val)

Gene: KIT (KIT proto-oncogene, receptor tyrosine kinase; plus strand). Cytogenetic location: 4q12.
Variant type: single nucleotide variant.
Coding change: c.1834A>G on transcript NM_000222.3 (MANE Select); coding-DNA position 1834, A replaced by G.
Protein change: p.Ile612Val; replaces isoleucine 612 with valine.
Molecular consequence: missense variant.
Genome position (GRCh38, 1-based): chr4:54,727,882, A>G. VCF-style: chr4-54727882-A-G. GRCh37 (hg19) VCF-style: chr4-55594048-A-G.
Other names: c.1822A>G, p.Ile608Val (NM_001093772.2, NM_001385286.1); c.1837A>G, p.Ile613Val (NM_001385284.1, NM_001385290.1); c.1834A>G, p.Ile612Val (NM_001385285.1); c.1825A>G, p.Ile609Val (NM_001385288.1, NM_001385292.1); short protein forms I608V, I609V, I612V, I613V.
Identifiers: ClinVar variation 2676216 (VCV002676216.5), dbSNP rs2109779861, ClinGen allele CA356908089.

ClinVar aggregate classification (germline): Uncertain significance. Review status: criteria provided, multiple submitters, no conflicts (2 of 4 stars). 3 submissions from 3 submitters: Uncertain significance (3). Last evaluated 2024-11-16.

Conditions:
Gastrointestinal stromal tumor. Also called: Gastrointestinal stromal tumor, somatic; Gastrointestinal stroma tumor. Identifiers: Orphanet 44890, MedGen C0238198, MeSH D046152, MONDO:0011719, OMIM 606764, HP:0100723.
Hereditary cancer-predisposing syndrome. Also called: Neoplastic Syndromes, Hereditary; Hereditary neoplastic syndrome; Tumor predisposition; Hereditary Cancer Syndrome. Identifiers: Orphanet 140162, MedGen C0027672, MeSH D009386, MONDO:0015356.

Allele frequency attached by ClinVar (database versions not stated): gnomAD exomes below 0.00001.
gnomAD v4.1: 1 of 1,614,026 alleles (0.000062%); highest among the groups gnomAD compares: Non-Finnish European, 0.000085%; no homozygotes.

Submissions (3):

Labcorp Genetics (formerly Invitae), Labcorp
Classification: Uncertain significance for Gastrointestinal stromal tumor. Last evaluated: 2024-11-16. Review status: criteria provided, single submitter. Criteria: Invitae Variant Classification Sherloc (09022015). Collection method: clinical testing. Allele origin: germline.
Comment: This sequence change replaces isoleucine, which is neutral and non-polar, with valine, which is neutral and non-polar, at codon 612 of the KIT protein (p.Ile612Val). This variant is not present in population databases (gnomAD no frequency). This variant has not been reported in the literature in individuals affected with KIT-related conditions. ClinVar contains an entry for this variant (Variation ID: 2676216). An algorithm developed to predict the effect of missense changes on protein structure and function (PolyPhen-2) suggests that this variant is likely to be tolerated. In summary, the available evidence is currently insufficient to determine the role of this variant in disease. Therefore, it has been classified as a Variant of Uncertain Significance.

Ambry Genetics
Classification: Uncertain significance for Hereditary cancer-predisposing syndrome. Last evaluated: 2024-07-01. Review status: criteria provided, single submitter. Criteria: Ambry Variant Classification Scheme 2023. Collection method: clinical testing. Allele origin: germline.
Comment: The p.I612V variant (also known as c.1834A>G), located in coding exon 12 of the KIT gene, results from an A to G substitution at nucleotide position 1834. The isoleucine at codon 612 is replaced by valine, an amino acid with highly similar properties. This amino acid position is conserved. In addition, this alteration is predicted to be tolerated by in silico analysis. Based on the available evidence, the clinical significance of this variant remains unclear.

Baylor Genetics
Classification: Uncertain significance for Gastrointestinal stromal tumor. Last evaluated: 2023-08-11. Review status: criteria provided, single submitter. Criteria: ACMG Guidelines, 2015. Collection method: clinical testing. Allele origin: unknown.